The following is an entry in ClinVar:

NM_130837.3(OPA1):c.530G>T (p.Ser177Ile)

Gene: OPA1 (OPA1 mitochondrial dynamin like GTPase; plus strand). Cytogenetic location: 3q29.
Variant type: single nucleotide variant.
Coding change: c.530G>T on transcript NM_130837.3 (MANE Select); coding-DNA position 530, G replaced by T.
Protein change: p.Ser177Ile; replaces serine 177 with isoleucine.
Molecular consequence: missense variant. On other transcripts: intron variant (5).
Genome position (GRCh38, 1-based): chr3:193,617,259, G>T. VCF-style: chr3-193617259-G-T. GRCh37 (hg19) VCF-style: chr3-193335048-G-T.
Other names: p.Ser177Ile; c.158G>T, p.Ser53Ile (NM_001354664.2); c.530G>T, p.Ser177Ile (NM_015560.3, NM_130834.3, NM_130836.3); c.76+1489G>T (NM_001354663.2); c.449-525G>T (NM_130835.3, NM_130832.3); c.448+1489G>T (NM_130833.3, NM_130831.3); c.530G>T (NM_130837.2); short protein forms S177I, S53I.
Identifiers: ClinVar variation 214897 (VCV000214897.22), dbSNP rs150279202, ClinGen allele CA322427.

ClinVar aggregate classification (germline): Conflicting classifications of pathogenicity. Review status: criteria provided, conflicting classifications (1 of 4 stars). 6 submissions from 6 submitters: Uncertain significance (2); Benign (1); Likely benign (2). 1 of the submissions does not count toward it. Last evaluated 2025-12-29.

Conditions:
OPA1-related disorder. Also called: OPA1-related condition; OPA1-related disorders.
Autosomal dominant optic atrophy classic form (OPA1). Also called: Optic Atrophy Type 1; KJER-TYPE OPTIC ATROPHY; OPTIC ATROPHY, JUVENILE. Identifiers: Orphanet 98673, MedGen C0338508, MONDO:0008134, OMIM 165500.

Allele frequency attached by ClinVar (database versions not stated): gnomAD exomes 0.00009 and 0.00019; gnomAD 0.00015 and 0.00016; ExAC 0.00017; TOPMed 0.00017; ESP Exome Variant Server 0.00038.
gnomAD v4.1: 172 of 1,611,710 alleles (0.011%); highest among the groups gnomAD compares: Middle Eastern, 0.016%; no homozygotes.

Submissions (6):

Labcorp Genetics (formerly Invitae), Labcorp
Classification: Benign. Last evaluated: 2025-12-29. Review status: criteria provided, single submitter. Criteria: Invitae Variant Classification Sherloc (09022015). Collection method: clinical testing. Allele origin: germline.

GeneDx
Classification: Uncertain significance. Last evaluated: 2025-12-11. Review status: criteria provided, single submitter. Criteria: GeneDx Variant Classification Process June 2021. Collection method: clinical testing. Allele origin: germline. Affected: yes.
Comment: In silico analysis supports that this missense variant has a deleterious effect on protein structure/function; Has not been previously published as pathogenic or benign to our knowledge

Blueprint Genetics
Classification: Likely benign. Last evaluated: 2024-07-25. Review status: criteria provided, single submitter. Criteria: ACMG Guidelines, 2015. Collection method: clinical testing. Allele origin: germline.

Mayo Clinic Laboratories, Mayo Clinic
Classification: Uncertain significance. Last evaluated: 2021-04-01. Review status: criteria provided, single submitter. Criteria: ACMG Guidelines, 2015. Collection method: clinical testing. Allele origin: germline.

Illumina Laboratory Services, Illumina
Classification: Likely benign for Autosomal dominant optic atrophy classic form. Last evaluated: 2018-01-12. Review status: criteria provided, single submitter. Criteria: ICSL Variant Classification Criteria 13 December 2019. Collection method: clinical testing. Allele origin: germline.
Comment: This variant was observed in the ICSL laboratory as part of a predisposition screen in an ostensibly healthy population. It had not been previously curated by ICSL or reported in the Human Gene Mutation Database (HGMD: prior to June 1st, 2018), and was therefore a candidate for classification through an automated scoring system. Utilizing variant allele frequency, disease prevalence and penetrance estimates, and inheritance mode, an automated score was calculated to assess if this variant is too frequent to cause the disease. Based on the score and internal cut-off values, a variant classified as likely benign is not then subjected to further curation. The score for this variant resulted in a classification of likely benign for this disease.

PreventionGenetics, part of Exact Sciences
Classification: Likely benign for OPA1-related condition. Last evaluated: 2024-04-11. Review status: no assertion criteria provided. Collection method: clinical testing. Allele origin: germline. Not counted in ClinVar's aggregate classification.
Comment: This variant is classified as likely benign based on ACMG/AMP sequence variant interpretation guidelines (Richards et al. 2015 PMID: 25741868, with internal and published modifications).